The following is an entry in ClinVar:

NM_016156.6(MTMR2):c.952A>G (p.Ile318Val)

Gene: MTMR2 (myotubularin related protein 2; minus strand). Cytogenetic location: 11q21.
Variant type: single nucleotide variant.
Coding change: c.952A>G on transcript NM_016156.6 (MANE Select); coding-DNA position 952, A replaced by G.
Protein change: p.Ile318Val; replaces isoleucine 318 with valine.
Molecular consequence: missense variant.
Genome position (GRCh38, 1-based): chr11:95,849,715, T>C on the plus strand (A>G on the coding strand, the complement: MTMR2 is on the minus strand). VCF-style: chr11-95849715-T-C. GRCh37 (hg19) VCF-style: chr11-95582879-T-C.
Other names: c.736A>G, p.Ile246Val (NM_001243571.2, NM_201278.3, NM_201281.3); short protein forms I318V, I246V.
Identifiers: ClinVar variation 246557 (VCV000246557.2), dbSNP rs764763872, ClinGen allele CA6240168.
Genomic context (GRCh38, chr11:95,849,715, plus strand): 5'-TACTAAGAGACCATCTGACCTTGTTGGCAACAGCATTAACACTTGGCCGGGCATCAAATA[T>C]AAAGATTTTGTGAGACTGGGCATTGGAATCCATGATAGCTTGAAGGTATTTTTCATCTTC-3'
Protein context (NP_057240.3, residues 308-328): DSNAQSHKIF[Ile318Val]FDARPSVNAV

ClinVar aggregate classification (germline): Uncertain significance (1 of 4 stars; one submission).

Allele frequency attached by ClinVar (database versions not stated): gnomAD exomes below 0.00001; ExAC 0.00001; TOPMed 0.00001.
gnomAD v4.1: 1 of 1,614,066 alleles (0.000062%); highest among the groups gnomAD compares: Non-Finnish European, 0.000085%; no homozygotes.

Submission:

GeneDx
Classification: Uncertain significance. Last evaluated: 2016-04-15. Review status: criteria provided, single submitter. Criteria: GeneDx Variant Classification (06012015). Collection method: clinical testing. Allele origin: germline. Affected: yes.
Comment: The I318V variant has not been published as a pathogenic variant, nor has it been reported as a benign variant to our knowledge. It was not observed in approximately 6,500 individuals of European and African American ancestry in the NHLBI Exome Sequencing Project, indicating it is not a common benign variant in these populations. The I318V substitution occurs at a position that is conserved across species. However, the variant is a conservative amino acid substitution, which is not likely to impact secondary protein structure as these residues share similar properties. Additionally, missense variants in nearby residues have not been reported in the Human Gene Mutation Database in association with CMT4B1 (Stenson et al., 2014). In silico analysis is inconsistent in its predictions as to whether or not the variant is damaging to the protein structure/function. Therefore, based on the currently available information, it is unclear whether this variant is a pathogenic variant or a rare benign variant.